The following is an entry in ClinVar:

ClinVar aggregate classification (germline): Uncertain significance (1 of 4 stars; one submission).

Submission:

Labcorp Genetics (formerly Invitae), Labcorp
Classification: Uncertain significance. Last evaluated: 2021-09-17. Review status: criteria provided, single submitter. Criteria: Invitae Variant Classification Sherloc (09022015). Collection method: clinical testing. Allele origin: germline.
Comment: Algorithms developed to predict the effect of missense changes on protein structure and function (SIFT, PolyPhen-2, Align-GVGD) all suggest that this variant is likely to be tolerated. In summary, the available evidence is currently insufficient to determine the role of this variant in disease. Therefore, it has been classified as a Variant of Uncertain Significance. This variant has not been reported in the literature in individuals affected with POLE-related conditions. This variant is not present in population databases (ExAC no frequency). This sequence change replaces phenylalanine with cysteine at codon 1985 of the POLE protein (p.Phe1985Cys). The phenylalanine residue is weakly conserved and there is a large physicochemical difference between phenylalanine and cysteine.

NM_006231.4(POLE):c.5954T>G (p.Phe1985Cys)

Gene: POLE (DNA polymerase epsilon, catalytic subunit; minus strand). Cytogenetic location: 12q24.33.
Variant type: single nucleotide variant.
Coding change: c.5954T>G on transcript NM_006231.4 (MANE Select); coding-DNA position 5954, T replaced by G.
Protein change: p.Phe1985Cys; replaces phenylalanine 1985 with cysteine.
Molecular consequence: missense variant.
Genome position (GRCh38, 1-based): chr12:132,634,236, A>C on the plus strand (T>G on the coding strand, the complement: POLE is on the minus strand). VCF-style: chr12-132634236-A-C. GRCh37 (hg19) VCF-style: chr12-133210822-A-C.
Other names: short protein forms F1985C.
Identifiers: ClinVar variation 1427510 (VCV001427510.6), dbSNP rs2138473687, ClinGen allele CA387371510.